The following is an entry in ClinVar:

ClinVar aggregate classification (germline): Conflicting classifications of pathogenicity. Review status: criteria provided, conflicting classifications (1 of 4 stars). 2 submissions from 2 submitters: Uncertain significance (1); Likely benign (1). Last evaluated 2024-01-16.

Conditions:
Hereditary cancer-predisposing syndrome. Also called: Hereditary neoplastic syndrome; Neoplastic Syndromes, Hereditary; Hereditary Cancer Syndrome; Tumor predisposition. Identifiers: Orphanet 140162, MedGen C0027672, MeSH D009386, MONDO:0015356.

Allele frequency attached by ClinVar (database versions not stated): gnomAD exomes below 0.00001; gnomAD 0.00001; TOPMed 0.00001.
gnomAD v4.1: 3 of 1,613,604 alleles (0.00019%); highest among the groups gnomAD compares: African/African-American, 0.0013%; no homozygotes.

Submissions (2):

Ambry Genetics
Classification: Likely benign for Hereditary cancer-predisposing syndrome. Last evaluated: 2024-01-16. Review status: criteria provided, single submitter. Criteria: Ambry Variant Classification Scheme 2023. Collection method: clinical testing. Allele origin: germline.

Labcorp Genetics (formerly Invitae), Labcorp
Classification: Uncertain significance. Last evaluated: 2022-08-23. Review status: criteria provided, single submitter. Criteria: Invitae Variant Classification Sherloc (09022015). Collection method: clinical testing. Allele origin: germline.
Comment: This sequence change replaces valine, which is neutral and non-polar, with isoleucine, which is neutral and non-polar, at codon 378 of the MSH3 protein (p.Val378Ile). This variant is present in population databases (no rsID available, gnomAD 0.003%). This variant has not been reported in the literature in individuals affected with MSH3-related conditions. ClinVar contains an entry for this variant (Variation ID: 658538). Algorithms developed to predict the effect of missense changes on protein structure and function output the following: SIFT: "Tolerated"; PolyPhen-2: "Benign"; Align-GVGD: "Class C0". The isoleucine amino acid residue is found in multiple mammalian species, which suggests that this missense change does not adversely affect protein function. In summary, the available evidence is currently insufficient to determine the role of this variant in disease. Therefore, it has been classified as a Variant of Uncertain Significance.

NM_002439.5(MSH3):c.1132G>A (p.Val378Ile)

Gene: MSH3 (mutS homolog 3; plus strand). Cytogenetic location: 5q14.1.
Variant type: single nucleotide variant.
Coding change: c.1132G>A on transcript NM_002439.5 (MANE Select); coding-DNA position 1132, G replaced by A.
Protein change: p.Val378Ile; replaces valine 378 with isoleucine.
Molecular consequence: missense variant.
Genome position (GRCh38, 1-based): chr5:80,675,087, G>A. VCF-style: chr5-80675087-G-A. GRCh37 (hg19) VCF-style: chr5-79970906-G-A.
Other names: short protein forms V378I.
Identifiers: ClinVar variation 658538 (VCV000658538.11), dbSNP rs1393216795, ClinGen allele CA360268216.